The following is an entry in ClinVar:

NM_001184.4(ATR):c.5328A>C (p.Glu1776Asp)

Gene: ATR (ATR checkpoint kinase; minus strand). Cytogenetic location: 3q23.
Variant type: single nucleotide variant.
Coding change: c.5328A>C on transcript NM_001184.4 (MANE Select); coding-DNA position 5328, A replaced by C.
Protein change: p.Glu1776Asp; replaces glutamic acid 1776 with aspartic acid.
Molecular consequence: missense variant.
Genome position (GRCh38, 1-based): chr3:142,499,679, T>G on the plus strand (A>C on the coding strand, the complement: ATR is on the minus strand). VCF-style: chr3-142499679-T-G. GRCh37 (hg19) VCF-style: chr3-142218521-T-G.
Other names: c.5136A>C, p.Glu1712Asp (NM_001354579.2); short protein forms E1712D, E1776D.
Identifiers: ClinVar variation 2624944 (VCV002624944.2), dbSNP rs2473169820, ClinGen allele CA354817057.
Genomic context (GRCh38, chr3:142,499,679, plus strand): 5'-AATTTTACCTGCTGCCAAATAGTTTTCCACCAAATCCCACTGTGACAATTTCCAAGCTGC[T>G]TCCACTCTGTACGTGTTTAATTCATCTGTCCACTCGGACCTATTAAAAGAAACCCATATC-3'
Protein context (NP_001175.2, residues 1766-1786): WTDELNTYRV[Glu1776Asp]AAWKLSQWDL

ClinVar aggregate classification (germline): Uncertain significance (1 of 4 stars; one submission).

Conditions:
Inborn genetic diseases. Identifiers: MedGen C0950123, MeSH D030342.

Submission:

Ambry Genetics
Classification: Uncertain significance for Inborn genetic diseases. Last evaluated: 2023-08-24. Review status: criteria provided, single submitter. Criteria: Ambry Variant Classification Scheme 2023. Collection method: clinical testing. Allele origin: germline.
Comment: The p.E1776D variant (also known as c.5328A>C), located in coding exon 31 of the ATR gene, results from an A to C substitution at nucleotide position 5328. The glutamic acid at codon 1776 is replaced by aspartic acid, an amino acid with highly similar properties. This amino acid position is conserved. In addition, the in silico prediction for this alteration is inconclusive. Since supporting evidence is limited at this time, the clinical significance of this alteration remains unclear.